The following is an entry in ClinVar:

ClinVar aggregate classification (germline): Likely pathogenic (1 of 4 stars; one submission).

Conditions:
Hypodontia. Also called: Partial congenital absence of teeth; Tooth agenesis, selective. Identifiers: Orphanet 99798, MedGen C0020608, MONDO:0005486, HP:0000668. Disease mechanism: loss of function.

Submission:

Center of Excellence in Precision Medicine and Digital Health (CEPMDH), Faculty of Dentistry, Chulalongkorn University
Classification: Likely pathogenic for Hypodontia. Review status: criteria provided, single submitter. Criteria: ACMG Guidelines, 2015. Collection method: clinical testing. Allele origin: de novo. Inheritance: Autosomal dominant inheritance. Affected: yes. Observed: 1 variant allele, 1 heterozygote.
Comment: The missense variants inthis gene were reported in patients with nonsyndromic tooth agenesis (Zeng et al., 2018, Pan et al., 2022). This variant was classified to be likely pathogenic according to ACMG guidelines.

NM_152365.3(KDF1):c.727A>C (p.Ile243Leu)

Gene: KDF1 (keratinocyte differentiation factor 1; minus strand). Cytogenetic location: 1p36.11.
Variant type: single nucleotide variant.
Coding change: c.727A>C on transcript NM_152365.3 (MANE Select); coding-DNA position 727, A replaced by C.
Protein change: p.Ile243Leu; replaces isoleucine 243 with leucine.
Molecular consequence: missense variant.
Genome position (GRCh38, 1-based): chr1:26,951,654, T>G on the plus strand (A>C on the coding strand, the complement: KDF1 is on the minus strand). VCF-style: chr1-26951654-T-G. GRCh37 (hg19) VCF-style: chr1-27278145-T-G.
Other names: short protein forms I243L.
Identifiers: ClinVar variation 2581057 (VCV002581057.1), dbSNP rs2522716301, ClinGen allele CA339159910.